The following is an entry in ClinVar:

NM_001122630.2(CDKN1C):c.655C>T (p.Gln219Ter)

Gene: CDKN1C (cyclin dependent kinase inhibitor 1C; minus strand). Cytogenetic location: 11p15.4.
Variant type: single nucleotide variant.
Coding change: c.655C>T on transcript NM_001122630.2 (MANE Select); coding-DNA position 655, C replaced by T.
Protein change: p.Gln219Ter; replaces glutamine 219 with a stop codon.
Molecular consequence: nonsense. On other transcripts: intron variant (1).
Genome position (GRCh38, 1-based): chr11:2,884,802, G>A on the plus strand (C>T on the coding strand, the complement: CDKN1C is on the minus strand). VCF-style: chr11-2884802-G-A. GRCh37 (hg19) VCF-style: chr11-2906032-G-A.
Other names: c.688C>T, p.Gln230Ter (NM_000076.2, NM_001362474.2, LRG_533t1); c.655C>T, p.Gln219Ter (NM_001122631.2); c.255+400C>T (NM_001362475.2); short protein forms Q230*, Q219*.
Identifiers: ClinVar variation 132861 (VCV000132861.10), dbSNP rs483352988, ClinGen allele CA216367211.

ClinVar aggregate classification (germline): Pathogenic. Review status: criteria provided, multiple submitters, no conflicts (2 of 4 stars). 2 submissions from 2 submitters: Pathogenic (2). Last evaluated 2024-08-07.

Conditions:
Beckwith-Wiedemann syndrome (BWS). Also called: Exomphalos macroglossia gigantism syndrome; EMG SYNDROME. Identifiers: Orphanet 116, MedGen C0004903, MONDO:0007534, OMIM 130650.

Submissions (2):

Department of Pediatrics, Nagoya University Graduate School of Medicine
Classification: Pathogenic for Beckwith-Wiedemann syndrome. Last evaluated: 2024-08-07. Review status: criteria provided, single submitter. Criteria: ACMG Guidelines, 2015. Collection method: research. Allele origin: de novo. Affected: yes.
Comment: The CDKN1C variant (NM_001122630.2:c.655C>T) is predicted to generate a termination codon at Gln219. This variant has been reported to be causative for Beckwith-Wiedemann syndrome (RCV001218456 in ClinVar, CM081208 in HGMD), without being reported in a large population database. Overall, the following ACMG criteria were applied in classifying this variant as Pathogenic: PVS1, PS2, PM2, PP4, and PP5.

Labcorp Genetics (formerly Invitae), Labcorp
Classification: Pathogenic for Beckwith-Wiedemann syndrome. Last evaluated: 2023-10-04. Review status: criteria provided, single submitter. Criteria: Invitae Variant Classification Sherloc (09022015). Collection method: clinical testing. Allele origin: germline.
Comment: This sequence change creates a premature translational stop signal (p.Gln230*) in the CDKN1C gene. It is expected to result in an absent or disrupted protein product. Loss-of-function variants in CDKN1C are known to be pathogenic (PMID: 20503313). This variant is not present in population databases (gnomAD no frequency). This premature translational stop signal has been observed in individuals with Beckwith–Wiedemann syndrome (PMID: 18395877, 26077438). ClinVar contains an entry for this variant (Variation ID: 132861). For these reasons, this variant has been classified as Pathogenic.

Literature cited by the submitters: PubMed 20503313 (cited by Department of Pediatrics, Nagoya University Graduate School of Medicine and Labcorp Genetics (formerly Invitae), Labcorp); PubMed 18395877 (cited by Department of Pediatrics, Nagoya University Graduate School of Medicine and Labcorp Genetics (formerly Invitae), Labcorp); PubMed 26077438 (cited by Department of Pediatrics, Nagoya University Graduate School of Medicine and Labcorp Genetics (formerly Invitae), Labcorp).